The following is an entry in ClinVar:

ClinVar aggregate classification (germline): Benign. Review status: criteria provided, multiple submitters, no conflicts (2 of 4 stars). 9 submissions from 9 submitters: Benign (8). 1 of the submissions does not count toward it. Last evaluated 2026-02-04.

Conditions:
Nemaline myopathy 2 (NEM2). Also called: Nemaline myopathy 2, autosomal recessive. Identifiers: MedGen C1850569, MONDO:0009725, OMIM 256030.

Allele frequency attached by ClinVar (database versions not stated): ESP Exome Variant Server 0.00008; gnomAD exomes 0.00177 and 0.00611; gnomAD 0.00190 and 0.00263; TOPMed 0.00351; ExAC 0.00569; 1000 Genomes Project 30x 0.01202; 1000 Genomes Project 0.01318.
gnomAD v4.1: 3,130 of 1,613,946 alleles (0.19%); highest among the groups gnomAD compares: East Asian, 4.2%; 59 homozygotes.

Submissions (9):

Labcorp Genetics (formerly Invitae), Labcorp
Classification: Benign for Nemaline myopathy 2. Last evaluated: 2026-02-04. Review status: criteria provided, single submitter. Criteria: Invitae Variant Classification Sherloc (09022015). Collection method: clinical testing. Allele origin: germline.

Athena Diagnostics
Classification: Benign. Last evaluated: 2025-05-09. Review status: criteria provided, single submitter. Criteria: Athena Diagnostics Criteria. Collection method: clinical testing. Allele origin: unknown.
Comment: The frequency of this variant in the general population is higher than would generally be expected for pathogenic variants in this gene.

Mayo Clinic Laboratories, Mayo Clinic
Classification: Benign. Last evaluated: 2022-11-20. Review status: criteria provided, single submitter. Criteria: ACMG Guidelines, 2015. Collection method: clinical testing. Allele origin: germline. Observed: 4 variant alleles.

Illumina Laboratory Services, Illumina
Classification: Benign for Nemaline myopathy 2. Last evaluated: 2018-01-12. Review status: criteria provided, single submitter. Criteria: ICSL Variant Classification Criteria 13 December 2019. Collection method: clinical testing. Allele origin: germline.
Comment: This variant was observed in the ICSL laboratory as part of a predisposition screen in an ostensibly healthy population. It had not been previously curated by ICSL or reported in the Human Gene Mutation Database (HGMD: prior to June 1st, 2018), and was therefore a candidate for classification through an automated scoring system. Utilizing variant allele frequency, disease prevalence and penetrance estimates, and inheritance mode, an automated score was calculated to assess if this variant is too frequent to cause the disease. Based on the score and internal cut-off values, a variant classified as benign is not then subjected to further curation. The score for this variant resulted in a classification of benign for this disease.

Women's Health and Genetics/Laboratory Corporation of America, LabCorp
Classification: Benign. Last evaluated: 2017-04-24. Review status: criteria provided, single submitter. Criteria: LabCorp Variant Classification Summary - May 2015. Collection method: clinical testing. Allele origin: germline.
Comment: Variant summary: The NEB c.11004G>A (p.Thr3668Thr) variant involves the alteration of a non-conserved nucleotide, resulting in a synonymous change and 5/5 splice prediction tools predict no significant impact on normal splicing. ESE finder predicts that this variant may affect ESE binding. However, these predictions have yet to be confirmed by functional studies. This variant was found in 687/120688 control chromosomes (15 homozygotes) at a frequency of 0.0056924, which is approximately 2 times the estimated maximal expected allele frequency of a pathogenic NEB variant (0.0035355), suggesting this variant is likely a benign polymorphism. In addition, multiple clinical diagnostic laboratories/reputable databases classified this variant as "likely benign/benign." Therefore, the variant of interest has been classified as Benign.

GeneDx
Classification: Benign. Last evaluated: 2016-12-07. Review status: criteria provided, single submitter. Criteria: GeneDx Variant Classification (06012015). Collection method: clinical testing. Allele origin: germline. Affected: yes.
Comment: This variant is considered likely benign or benign based on one or more of the following criteria: it is a conservative change, it occurs at a poorly conserved position in the protein, it is predicted to be benign by multiple in silico algorithms, and/or has population frequency not consistent with disease.

Eurofins Ntd Llc (ga)
Classification: Benign. Last evaluated: 2015-02-13. Review status: criteria provided, single submitter. Criteria: EGL Classification Definitions 2015. Collection method: clinical testing. Allele origin: germline. Observed: 1 variant allele, 1 heterozygote.

PreventionGenetics, part of Exact Sciences
Classification: Benign. Review status: criteria provided, single submitter. Criteria: ACMG Guidelines, 2015. Collection method: clinical testing. Allele origin: germline.

Natera, Inc.
Classification: Benign for Nemaline myopathy type 2. Last evaluated: 2020-09-16. Review status: no assertion criteria provided. Collection method: clinical testing. Allele origin: germline. Not counted in ClinVar's aggregate classification.

NM_001164508.2(NEB):c.11004G>A (p.Thr3668=)

Gene: NEB (nebulin; minus strand). Cytogenetic location: 2q23.3.
Variant type: single nucleotide variant.
Coding change: c.11004G>A on transcript NM_001164508.2 (MANE Select); coding-DNA position 11004, G replaced by A.
Protein change: p.Thr3668=; no amino-acid change (threonine 3668 retained).
Molecular consequence: synonymous variant.
Genome position (GRCh38, 1-based): chr2:151,618,347, C>T on the plus strand (G>A on the coding strand, the complement: NEB is on the minus strand). VCF-style: chr2-151618347-C-T. GRCh37 (hg19) VCF-style: chr2-152474861-C-T.
Other names: p.Thr3668=; c.11004G>A, p.Thr3668= (NM_001164507.2, NM_001271208.2); c.10275G>A, p.Thr3425= (NM_004543.5).
Identifiers: ClinVar variation 198646 (VCV000198646.25), dbSNP rs117018177, ClinGen allele CA203537.